The following is an entry in ClinVar:

ClinVar aggregate classification (germline): Uncertain significance. Review status: criteria provided, multiple submitters, no conflicts (2 of 4 stars). 2 submissions from 2 submitters: Uncertain significance (2). Last evaluated 2024-01-26.

Allele frequency attached by ClinVar (database versions not stated): gnomAD exomes below 0.00001.
gnomAD v4.1: 1 of 1,613,998 alleles (0.000062%); highest among the groups gnomAD compares: Non-Finnish European, 0.000085%; no homozygotes.

Submissions (2):

GeneDx
Classification: Uncertain significance. Last evaluated: 2024-01-26. Review status: criteria provided, single submitter. Criteria: GeneDx Variant Classification Process June 2021. Collection method: clinical testing. Allele origin: germline. Affected: yes.
Comment: Not observed at significant frequency in large population cohorts (gnomAD); In silico analysis supports that this missense variant has a deleterious effect on protein structure/function; Has not been previously published as pathogenic or benign to our knowledge

Labcorp Genetics (formerly Invitae), Labcorp
Classification: Uncertain significance. Last evaluated: 2023-02-14. Review status: criteria provided, single submitter. Criteria: Invitae Variant Classification Sherloc (09022015). Collection method: clinical testing. Allele origin: germline.
Comment: This variant is not present in population databases (gnomAD no frequency). This missense change has been observed in individual(s) with clinical features of FGF10-related conditions (Invitae). It has also been observed to segregate with disease in related individuals. Algorithms developed to predict the effect of missense changes on protein structure and function (SIFT, PolyPhen-2, Align-GVGD) all suggest that this variant is likely to be disruptive. In summary, the available evidence is currently insufficient to determine the role of this variant in disease. Therefore, it has been classified as a Variant of Uncertain Significance. This sequence change replaces leucine, which is neutral and non-polar, with serine, which is neutral and polar, at codon 180 of the FGF10 protein (p.Leu180Ser).

NM_004465.2(FGF10):c.539T>C (p.Leu180Ser)

Gene: FGF10 (fibroblast growth factor 10; minus strand). Cytogenetic location: 5p12.
Variant type: single nucleotide variant.
Coding change: c.539T>C on transcript NM_004465.2 (MANE Select); coding-DNA position 539, T replaced by C.
Protein change: p.Leu180Ser; replaces leucine 180 with serine.
Molecular consequence: missense variant.
Genome position (GRCh38, 1-based): chr5:44,305,083, A>G on the plus strand (T>C on the coding strand, the complement: FGF10 is on the minus strand). VCF-style: chr5-44305083-A-G. GRCh37 (hg19) VCF-style: chr5-44305185-A-G.
Other names: short protein forms L180S.
Identifiers: ClinVar variation 2028446 (VCV002028446.5), dbSNP rs2478335585, ClinGen allele CA359697659.
Genomic context (GRCh38, chr5:44,305,083, plus strand): 5'-TGAGCAGAGGTGTTTTTCCTTCGTGTTTTCTGTCCTCTCCTTGGAGCTCCTTTTCCATTC[A>G]ATGCCACATACATTTGCCTCCCATTATGCTGCCAGTTAAATGATGCATAGGTATTGTATC-3'
Protein context (NP_004456.1, residues 170-190): QHNGRQMYVA[Leu180Ser]NGKGAPRRGQ